The following is an entry in ClinVar:

ClinVar aggregate classification (germline): Likely benign. Review status: criteria provided, multiple submitters, no conflicts (2 of 4 stars). 3 submissions from 3 submitters: Likely benign (3). Last evaluated 2026-08-10.

Conditions:
DNMT1-related disorder. Also called: DNMT1-related condition. Identifiers: MedGen CN381527.
Hereditary sensory neuropathy-deafness-dementia syndrome. Also called: Hereditary sensory neuropathy type IE; NEUROPATHY, HEREDITARY SENSORY, WITH HEARING LOSS AND DEMENTIA; HSN IE; Hereditary Sensory and Autonomic Neuropathy Type 1E (HSAN1E). Identifiers: Orphanet 456318, MedGen C3279885, MONDO:0013584, OMIM 614116.

Allele frequency attached by ClinVar (database versions not stated): gnomAD 0.00001 and 0.00002; gnomAD exomes 0.00002 and 0.00004; TOPMed 0.00002; ExAC 0.00003; 1000 Genomes Project 30x 0.00016; 1000 Genomes Project 0.00020.
gnomAD v4.1: 35 of 1,614,026 alleles (0.0022%); highest among the groups gnomAD compares: East Asian, 0.018%; no homozygotes.

Submissions (3):

PreventionGenetics, part of Exact Sciences
Classification: Likely benign for DNMT1-related condition. Last evaluated: 2026-08-10. Review status: criteria provided, single submitter. Criteria: ACMG Guidelines, 2015. Collection method: clinical testing. Allele origin: germline.
Comment: This variant is classified as likely benign based on ACMG/AMP sequence variant interpretation guidelines (Richards et al. 2015 PMID: 25741868, with internal and published modifications).

Blueprint Genetics
Classification: Likely benign. Last evaluated: 2024-11-14. Review status: criteria provided, single submitter. Criteria: ACMG Guidelines, 2015. Collection method: clinical testing. Allele origin: germline.

Labcorp Genetics (formerly Invitae), Labcorp
Classification: Likely benign for Hereditary sensory neuropathy-deafness-dementia syndrome. Last evaluated: 2024-01-31. Review status: criteria provided, single submitter. Criteria: Invitae Variant Classification Sherloc (09022015). Collection method: clinical testing. Allele origin: germline.

NM_001130823.3(DNMT1):c.4638C>T (p.Pro1546=)

Genes: DNMT1 (DNA methyltransferase 1; minus strand), LOC126862853 (CDK7 strongly-dependent group 2 enhancer GRCh37_chr19:10246117-10247316; plus strand). Cytogenetic location: 19p13.2.
Variant type: single nucleotide variant.
Coding change: c.4638C>T on transcript NM_001130823.3 (MANE Select); coding-DNA position 4638, C replaced by T.
Protein change: p.Pro1546=; no amino-acid change (proline 1546 retained).
Molecular consequence: synonymous variant.
Genome position (GRCh38, 1-based): chr19:10,136,139, G>A on the plus strand (C>T on the coding strand, the complement: DNMT1 is on the minus strand). VCF-style: chr19-10136139-G-A. GRCh37 (hg19) VCF-style: chr19-10246815-G-A.
Other names: c.4599C>T, p.Pro1533= (NM_001318730.2); c.4275C>T, p.Pro1425= (NM_001318731.2); c.4590C>T, p.Pro1530= (NM_001379.4); c.4638C>T (NM_001130823.2).
Identifiers: ClinVar variation 1561149 (VCV001561149.10), dbSNP rs572638597, ClinGen allele CA9187468.